The following is an entry in ClinVar:

ClinVar aggregate classification (germline): Benign/Likely benign. Review status: criteria provided, multiple submitters, no conflicts (2 of 4 stars). 2 submissions from 2 submitters: Benign (1); Likely benign (1). Last evaluated 2024-08-19.

Allele frequency attached by ClinVar (database versions not stated): gnomAD exomes 0.00001 and below 0.00001; gnomAD 0.00001; TOPMed 0.00002.
gnomAD v4.1: 16 of 1,589,798 alleles (0.001%); highest among the groups gnomAD compares: Middle Eastern, 0.017%; no homozygotes.

Submissions (2):

Blueprint Genetics
Classification: Likely benign. Last evaluated: 2024-08-19. Review status: criteria provided, single submitter. Criteria: ACMG Guidelines, 2015. Collection method: clinical testing. Allele origin: germline.

GeneDx
Classification: Benign. Last evaluated: 2014-04-02. Review status: criteria provided, single submitter. Criteria: GeneDx Variant Classification (06012015). Collection method: clinical testing. Allele origin: germline. Affected: yes.
Comment: This variant is considered likely benign or benign based on one or more of the following criteria: it is a conservative change, it occurs at a poorly conserved position in the protein, it is predicted to be benign by multiple in silico algorithms, and/or has population frequency not consistent with disease.

NM_000726.5(CACNB4):c.268-16A>G

Gene: CACNB4 (calcium voltage-gated channel auxiliary subunit beta 4; minus strand). Cytogenetic location: 2q23.3.
Variant type: single nucleotide variant.
Coding change: c.268-16A>G on transcript NM_000726.5 (MANE Select); 16 bases into the intron before coding-DNA position 268, A replaced by G.
Molecular consequence: intron variant.
Genome position (GRCh38, 1-based): chr2:151,880,938, T>C on the plus strand (A>G on the coding strand, the complement: CACNB4 is on the minus strand). VCF-style: chr2-151880938-T-C. GRCh37 (hg19) VCF-style: chr2-152737452-T-C.
Other names: c.268-16A>G (NM_001145798.2); c.214-16A>G (NM_001330113.2, NM_001005746.4); c.166-16A>G (NM_001330115.2, NM_001005747.4); c.127-16A>G (NM_001330116.2, NM_001320722.3, NM_001330118.1); c.-367-16A>G (NM_001330114.2); c.-291-16A>G (NM_001330117.2).
Identifiers: ClinVar variation 204921 (VCV000204921.2), dbSNP rs796052285, ClinGen allele CA313371.